The following is an entry in ClinVar:

NM_001134831.2(AHI1):c.3401T>C (p.Ile1134Thr)

Gene: AHI1 (Abelson helper integration site 1; minus strand). Cytogenetic location: 6q23.3.
Variant type: single nucleotide variant.
Coding change: c.3401T>C on transcript NM_001134831.2 (MANE Select); coding-DNA position 3401, T replaced by C.
Protein change: p.Ile1134Thr; replaces isoleucine 1134 with threonine.
Molecular consequence: missense variant.
Genome position (GRCh38, 1-based): chr6:135,318,544, A>G on the plus strand (T>C on the coding strand, the complement: AHI1 is on the minus strand). VCF-style: chr6-135318544-A-G. GRCh37 (hg19) VCF-style: chr6-135639682-A-G.
Other names: c.3401T>C, p.Ile1134Thr (NM_001134830.2, NM_001350503.2, NM_001350504.2 and 1 more transcripts); short protein forms I1134T.
Identifiers: ClinVar variation 961899 (VCV000961899.9), dbSNP rs1279871862, ClinGen allele CA365844196.

ClinVar aggregate classification (germline): Uncertain significance (1 of 4 stars; one submission).

Conditions:
Joubert syndrome. Also called: Familial aplasia of the vermis; CEREBELLOPARENCHYMAL DISORDER IV; JOUBERT-BOLTSHAUSER SYNDROME. Identifiers: Orphanet 475, MedGen C5979921, MONDO:0018772.

Allele frequency attached by ClinVar (database versions not stated): gnomAD 0.00001; TOPMed 0.00001.
gnomAD v4.1: 2 of 1,597,344 alleles (0.00013%); highest among the groups gnomAD compares: African/African-American, 0.0027%; no homozygotes.

Submission:

Labcorp Genetics (formerly Invitae), Labcorp
Classification: Uncertain significance for Joubert syndrome. Last evaluated: 2024-07-29. Review status: criteria provided, single submitter. Criteria: Invitae Variant Classification Sherloc (09022015). Collection method: clinical testing. Allele origin: germline.
Comment: This sequence change replaces isoleucine, which is neutral and non-polar, with threonine, which is neutral and polar, at codon 1134 of the AHI1 protein (p.Ile1134Thr). The frequency data for this variant in the population databases is considered unreliable, as metrics indicate poor data quality at this position in the gnomAD database. This variant has not been reported in the literature in individuals affected with AHI1-related conditions. ClinVar contains an entry for this variant (Variation ID: 961899). Advanced modeling of protein sequence and biophysical properties (such as structural, functional, and spatial information, amino acid conservation, physicochemical variation, residue mobility, and thermodynamic stability) performed at Invitae indicates that this missense variant is not expected to disrupt AHI1 protein function with a negative predictive value of 95%. In summary, the available evidence is currently insufficient to determine the role of this variant in disease. Therefore, it has been classified as a Variant of Uncertain Significance.